The following is an entry in ClinVar:

ClinVar aggregate classification (germline): Likely pathogenic (1 of 4 stars; one submission).

Conditions:
Frontotemporal dementia and/or amyotrophic lateral sclerosis 4. Also called: FTDALS4. Identifiers: Orphanet 275872, MedGen C4225325, MONDO:0014641, OMIM 616439.

Submission:

Labcorp Genetics (formerly Invitae), Labcorp
Classification: Likely pathogenic for Frontotemporal dementia and/or amyotrophic lateral sclerosis 4. Last evaluated: 2023-06-04. Review status: criteria provided, single submitter. Criteria: Invitae Variant Classification Sherloc (09022015). Collection method: clinical testing. Allele origin: germline.
Comment: In summary, the currently available evidence indicates that the variant is pathogenic, but additional data are needed to prove that conclusively. Therefore, this variant has been classified as Likely Pathogenic. Algorithms developed to predict the effect of sequence changes on RNA splicing suggest that this variant may disrupt the consensus splice site. Disruption of this splice site has been observed in individual(s) with clinical features of TBK1-related conditions (PMID: 26476236). The frequency data for this variant in the population databases is considered unreliable, as metrics indicate poor data quality at this position in the gnomAD database. This sequence change affects an acceptor splice site in intron 18 of the TBK1 gene. It is expected to disrupt RNA splicing. Variants that disrupt the donor or acceptor splice site typically lead to a loss of protein function (PMID: 16199547), and loss-of-function variants in TBK1 are known to be pathogenic (PMID: 25803835, 26476236, 26581300).

Literature cited by the submitters: PubMed 26476236; PubMed 16199547; PubMed 25803835; PubMed 26581300.

NM_013254.4(TBK1):c.1960-2A>T

Gene: TBK1 (TANK binding kinase 1; plus strand). Cytogenetic location: 12q14.2.
Variant type: single nucleotide variant.
Coding change: c.1960-2A>T on transcript NM_013254.4 (MANE Select); the canonical splice acceptor site of the intron before coding-DNA position 1960, A replaced by T.
Molecular consequence: splice acceptor variant.
Genome position (GRCh38, 1-based): chr12:64,497,646, A>T. VCF-style: chr12-64497646-A-T. GRCh37 (hg19) VCF-style: chr12-64891426-A-T.
Identifiers: ClinVar variation 2848823 (VCV002848823.3), dbSNP rs1565824978, ClinGen allele CA385606810.
Genomic context (GRCh38, chr12:64,497,646, plus strand): 5'-GTACTTTTGTTCTGTGATTAATGTGGGGTTTTTTTCTTTTTTTTTTTTTTTTGATGTTTC[A>T]GTTACAAGAAACTCTGCCTCAGAAAATGTTTACAGCTTCCAGTGGAATCAAACATACCAT-3'